The following is an entry in ClinVar:

NM_000540.3(RYR1):c.10524A>G (p.Ser3508=)

Gene: RYR1 (ryanodine receptor 1; plus strand). Cytogenetic location: 19q13.2.
Variant type: single nucleotide variant.
Coding change: c.10524A>G on transcript NM_000540.3 (MANE Select); coding-DNA position 10524, A replaced by G.
Protein change: p.Ser3508=; no amino-acid change (serine 3508 retained).
Molecular consequence: synonymous variant.
Genome position (GRCh38, 1-based): chr19:38,525,400, A>G. VCF-style: chr19-38525400-A-G. GRCh37 (hg19) VCF-style: chr19-39016040-A-G.
Other names: c.10509A>G, p.Ser3503= (NM_001042723.2).
Identifiers: ClinVar variation 3072147 (VCV003072147.1), dbSNP rs2514477180, ClinGen allele CA507236426.

ClinVar aggregate classification (germline): Likely benign (1 of 4 stars; one submission).

Conditions:
Malignant hyperthermia, susceptibility to, 1 (MHS1). Also called: Anesthesia related hyperthermia; Malignant hyperpyrexia; Fulminating hyperpyrexia; Pharmacogenic myopathy; RYR1-Related Malignant Hyperthermia Susceptibility; Malignant hyperthermia suceptibility 1. Identifiers: Orphanet 423, MedGen C2930980, MONDO:0007783, OMIM 145600.

Submission:

All of Us Research Program, National Institutes of Health
Classification: Likely benign for Malignant hyperthermia, susceptibility to, 1. Last evaluated: 2023-06-26. Review status: criteria provided, single submitter. Criteria: ACMG Guidelines, 2015. Collection method: clinical testing. Allele origin: germline. Inheritance: Autosomal dominant inheritance. Observed: 1 variant allele, 1 heterozygote.
Comment: This study involves interpretation of variants in research participants for the purpose of population health screening. Participant phenotype was not available at the time of variant classification. Additional details can be found in publication PMID: 35346344, PMCID: PMC8962531